The following is an entry in ClinVar:

NM_001377299.1(NDUFS2):c.212C>T (p.Pro71Leu)

Gene: NDUFS2 (NADH:ubiquinone oxidoreductase core subunit S2; plus strand). Cytogenetic location: 1q23.3.
Variant type: single nucleotide variant.
Coding change: c.212C>T on transcript NM_001377299.1 (MANE Select); coding-DNA position 212, C replaced by T.
Protein change: p.Pro71Leu; replaces proline 71 with leucine.
Molecular consequence: missense variant. On other transcripts: non-coding transcript variant (1).
Genome position (GRCh38, 1-based): chr1:161,206,416, C>T. VCF-style: chr1-161206416-C-T. GRCh37 (hg19) VCF-style: chr1-161176206-C-T.
Other names: p.P71L:CCT>CTT; c.212C>T, p.Pro71Leu (NM_001166159.2, NM_001377298.1, NM_001377300.1 and 3 more transcripts); short protein forms P71L.
Identifiers: ClinVar variation 214792 (VCV000214792.8), dbSNP rs375650413, ClinGen allele CA321381.

ClinVar aggregate classification (germline): Conflicting classifications of pathogenicity. Review status: criteria provided, conflicting classifications (1 of 4 stars). 3 submissions from 3 submitters: Uncertain significance (2); Likely benign (1). Last evaluated 2025-10-06.

Conditions:
Inborn genetic diseases. Identifiers: MedGen C0950123, MeSH D030342.

Allele frequency attached by ClinVar (database versions not stated): gnomAD exomes 0.00001 and 0.00002; TOPMed 0.00011; gnomAD 0.00006 and 0.00005; ExAC 0.00002; ESP Exome Variant Server 0.00015.
gnomAD v4.1: 17 of 1,614,102 alleles (0.0011%); highest among the groups gnomAD compares: African/African-American, 0.015%; no homozygotes.

Submissions (3):

Ambry Genetics
Classification: Uncertain significance for Inborn genetic diseases. Last evaluated: 2025-10-06. Review status: criteria provided, single submitter. Criteria: Ambry Variant Classification Scheme 2023. Collection method: clinical testing. Allele origin: germline.

Labcorp Genetics (formerly Invitae), Labcorp
Classification: Uncertain significance. Last evaluated: 2022-09-01. Review status: criteria provided, single submitter. Criteria: Invitae Variant Classification Sherloc (09022015). Collection method: clinical testing. Allele origin: germline.
Comment: This sequence change replaces proline, which is neutral and non-polar, with leucine, which is neutral and non-polar, at codon 71 of the NDUFS2 protein (p.Pro71Leu). This variant is present in population databases (rs375650413, gnomAD 0.03%). This variant has not been reported in the literature in individuals affected with NDUFS2-related conditions. ClinVar contains an entry for this variant (Variation ID: 214792). Algorithms developed to predict the effect of missense changes on protein structure and function (SIFT, PolyPhen-2, Align-GVGD) all suggest that this variant is likely to be tolerated. In summary, the available evidence is currently insufficient to determine the role of this variant in disease. Therefore, it has been classified as a Variant of Uncertain Significance.

GeneDx
Classification: Likely benign. Last evaluated: 2012-09-18. Review status: criteria provided, single submitter. Criteria: GeneDx Variant Classification (06012015). Collection method: clinical testing. Allele origin: germline. Affected: yes.
Comment: This variant is considered likely benign or benign based on one or more of the following criteria: it is a conservative change, it occurs at a poorly conserved position in the protein, it is predicted to be benign by multiple in silico algorithms, and/or has population frequency not consistent with disease.